The following is an entry in ClinVar:

NM_017570.5(OPLAH):c.2238G>A (p.Met746Ile)

Gene: OPLAH (5-oxoprolinase, ATP-hydrolysing; minus strand). Cytogenetic location: 8q24.3.
Variant type: single nucleotide variant.
Coding change: c.2238G>A on transcript NM_017570.5 (MANE Select); coding-DNA position 2238, G replaced by A.
Protein change: p.Met746Ile; replaces methionine 746 with isoleucine.
Molecular consequence: missense variant.
Genome position (GRCh38, 1-based): chr8:144,055,798, C>T on the plus strand (G>A on the coding strand, the complement: OPLAH is on the minus strand). VCF-style: chr8-144055798-C-T. GRCh37 (hg19) VCF-style: chr8-145110701-C-T.
Other names: short protein forms M746I.
Identifiers: ClinVar variation 1980093 (VCV001980093.4), dbSNP rs781977395, ClinGen allele CA4931537.

ClinVar aggregate classification (germline): Uncertain significance (1 of 4 stars; one submission).

Conditions:
5-Oxoprolinase deficiency (OPLAHD). Also called: 5-OXOPROLINURIA DUE TO 5-OXOPROLINASE DEFICIENCY. Identifiers: Orphanet 33572, MedGen C0268525, MONDO:0009825, OMIM 260005, HP:0040142.

Allele frequency attached by ClinVar (database versions not stated): gnomAD exomes below 0.00001; ExAC 0.00013.
gnomAD v4.1: 5 of 1,543,778 alleles (0.00032%); highest among the groups gnomAD compares: Middle Eastern, 0.034%; no homozygotes.

Submission:

Labcorp Genetics (formerly Invitae), Labcorp
Classification: Uncertain significance for 5-Oxoprolinase deficiency. Last evaluated: 2022-06-15. Review status: criteria provided, single submitter. Criteria: Invitae Variant Classification Sherloc (09022015). Collection method: clinical testing. Allele origin: germline.
Comment: This sequence change replaces methionine, which is neutral and non-polar, with isoleucine, which is neutral and non-polar, at codon 746 of the OPLAH protein (p.Met746Ile). The frequency data for this variant in the population databases is considered unreliable, as metrics indicate poor data quality at this position in the gnomAD database. This variant has not been reported in the literature in individuals affected with OPLAH-related conditions. Experimental studies and prediction algorithms are not available or were not evaluated, and the functional significance of this variant is currently unknown. In summary, the available evidence is currently insufficient to determine the role of this variant in disease. Therefore, it has been classified as a Variant of Uncertain Significance.